The following is an entry in ClinVar:

ClinVar aggregate classification (germline): Likely pathogenic (1 of 4 stars; one submission).

Conditions:
Multiple endocrine neoplasia, type 1 (MEN1). Also called: MEN I; WERMER SYNDROME; Endocrine adenomatosis multiple; MEN 1; MEA I. Identifiers: Orphanet 652, MedGen C0025267, MeSH D018761, MONDO:0007540, OMIM 131100.

Submission:

Laboratory for Molecular Medicine, Mass General Brigham Personalized Medicine
Classification: Likely pathogenic for Multiple endocrine neoplasia, type 1. Last evaluated: 2019-01-28. Review status: criteria provided, single submitter. Criteria: ACMG Guidelines, 2015. Collection method: clinical testing. Allele origin: germline. Inheritance: Autosomal dominant inheritance.
Comment: The p.Glu429fs variant in MEN1 has not been previously reported in individuals with multiple endocrine neoplasia type 1 and was absent from large population studies. This variant is predicted to cause a frameshift, which alters the protein’s amino acid sequence beginning at position 429 and leads to a premature termination codon 25 amino acids downstream. This alteration removes the nuclear localization signals and is predicted to lead to an absent protein or a truncated protein that is unable to translocate to the nucleus, with consequent loss of menin functionality. Heterozygous loss of function of function of the MEN1 gene is an established disease mechanism in multiple endocrine neoplasia type 1. In summary, although additional studies are required to fully establish its clinical significance, the p.Glu429fs variant is likely pathogenic.

NM_001370259.2(MEN1):c.1270dup (p.Glu424fs)

Gene: MEN1 (menin 1; minus strand). Cytogenetic location: 11q13.1.
Variant type: Duplication.
Coding change: c.1270dup on transcript NM_001370259.2 (MANE Select); coding-DNA position 1270, one base duplicated (G; older notation c.1270dupG).
Protein change: p.Glu424fs; shifts the reading frame from glutamic acid 424.
Molecular consequence: frameshift variant. On other transcripts: non-coding transcript variant (4), intron variant (1).
Genome position (GRCh38, 1-based): chr11:64,805,114, C duplicated on the plus strand (G on the coding strand, the reverse complement: MEN1 is on the minus strand); the first of 3 consecutive C bases (chr11:64,805,114-64,805,116); duplicating any one gives the same sequence. VCF-style (leftmost placement, unchanged base first): chr11-64805113-T-TC. GRCh37 (hg19) VCF-style: chr11-64572585-T-TC.
Other names: c.1285dup, p.Glu429fs (NM_000244.4, NM_001407145.1, NM_130800.3 and 4 more transcripts); c.1396dup, p.Glu466fs (NM_001370251.2, NM_001407142.1, NM_001407143.1 and 1 more transcripts); c.1270dup, p.Glu424fs (NM_001370260.2, NM_001370261.2, NM_001407146.1 and 2 more transcripts); c.1165dup, p.Glu389fs (NM_001370262.2, NM_001370263.2, NM_001407148.1 and 1 more transcripts); c.1411dup, p.Glu471fs (NM_001407150.1); c.1291dup, p.Glu431fs (NM_001407151.1); c.1186-298dup (NM_001407152.1); short protein forms E389fs, E424fs, E429fs, E431fs, E466fs, E471fs.
Identifiers: ClinVar variation 3076045 (VCV003076045.1), dbSNP rs2497143876, ClinGen allele CA913188355.